The following is an entry in ClinVar:

ClinVar aggregate classification (germline): Uncertain significance (1 of 4 stars; one submission).

Conditions:
Inborn genetic diseases. Identifiers: MedGen C0950123, MeSH D030342.

Submission:

Ambry Genetics
Classification: Uncertain significance for Inborn genetic diseases. Last evaluated: 2026-08-22. Review status: criteria provided, single submitter. Criteria: Ambry Variant Classification Scheme 2023. Collection method: clinical testing. Allele origin: germline.
Comment: The p.N1193S variant (also known as c.3578A>G), located in coding exon 1 of the SAMD9 gene, results from an A to G substitution at nucleotide position 3578. The asparagine at codon 1193 is replaced by serine, an amino acid with highly similar properties. This amino acid position is conserved. In addition, this alteration is predicted to be tolerated by in silico analysis. Based on the available evidence, the clinical significance of this variant remains unclear.

NM_017654.4(SAMD9):c.3578A>G (p.Asn1193Ser)

Gene: SAMD9 (sterile alpha motif domain containing 9; minus strand). Cytogenetic location: 7q21.2.
Variant type: single nucleotide variant.
Coding change: c.3578A>G on transcript NM_017654.4 (MANE Select); coding-DNA position 3578, A replaced by G.
Protein change: p.Asn1193Ser; replaces asparagine 1193 with serine.
Molecular consequence: missense variant.
Genome position (GRCh38, 1-based): chr7:93,102,520, T>C on the plus strand (A>G on the coding strand, the complement: SAMD9 is on the minus strand). VCF-style: chr7-93102520-T-C. GRCh37 (hg19) VCF-style: chr7-92731833-T-C.
Other names: c.3578A>G, p.Asn1193Ser (NM_001193307.2); short protein forms N1193S.
Identifiers: ClinVar variation 5028800 (VCV005028800.1).